The following is an entry in ClinVar:

ClinVar aggregate classification (germline): Uncertain significance (1 of 4 stars; one submission).

gnomAD v4.1: 12 of 1,612,278 alleles (0.00074%); highest among the groups gnomAD compares: Non-Finnish European, 0.00093%; no homozygotes.

Submission:

GeneDx
Classification: Uncertain significance. Last evaluated: 2025-06-06. Review status: criteria provided, single submitter. Criteria: GeneDx Variant Classification Process June 2021. Collection method: clinical testing. Allele origin: germline. Affected: yes.
Comment: Not observed at significant frequency in large population cohorts (gnomAD); In silico analysis suggests that this missense variant does not alter protein structure/function; Has not been previously published as pathogenic or benign to our knowledge

NM_015215.4(CAMTA1):c.2047G>A (p.Ala683Thr)

Gene: CAMTA1 (calmodulin binding transcription activator 1; plus strand). Cytogenetic location: 1p36.23.
Variant type: single nucleotide variant.
Coding change: c.2047G>A on transcript NM_015215.4 (MANE Select); coding-DNA position 2047, G replaced by A.
Protein change: p.Ala683Thr; replaces alanine 683 with threonine.
Molecular consequence: missense variant.
Genome position (GRCh38, 1-based): chr1:7,664,594, G>A. VCF-style: chr1-7664594-G-A. GRCh37 (hg19) VCF-style: chr1-7724654-G-A.
Other names: c.1957G>A, p.Ala653Thr (NM_001349608.2, NM_001349612.2); c.2047G>A, p.Ala683Thr (NM_001349609.2, NM_001349610.2, NM_001410737.1); c.1975G>A, p.Ala659Thr (NM_001410738.1); short protein forms A653T, A659T, A683T.
Identifiers: ClinVar variation 4536419 (VCV004536419.1).